The following is an entry in ClinVar:

ClinVar aggregate classification (germline): Conflicting classifications of pathogenicity. Review status: criteria provided, conflicting classifications (1 of 4 stars). 6 submissions from 6 submitters: Uncertain significance (2); Benign (2); Likely benign (2). Last evaluated 2026-01-28.

Conditions:
Inborn genetic diseases. Identifiers: MedGen C0950123, MeSH D030342.
Pyruvate dehydrogenase E3-binding protein deficiency (PDHXD). Also called: Lacticacidemia due to PDX1 deficiency; LACTIC ACIDEMIA DUE TO DEFECT IN LIPOYL-CONTAINING COMPONENT X OF THE PYRUVATE DEHYDROGENASE COMPLEX; E3-Binding Protein (Component X) Deficiency; PYRUVATE HYDROGENASE E3-BINDING PROTEIN DEFICIENCY. Identifiers: Orphanet 255182, MedGen C1855553, MONDO:0009503, OMIM 245349.

Allele frequency attached by ClinVar (database versions not stated): ESP Exome Variant Server 0.00023; gnomAD exomes 0.00028 and 0.00063; gnomAD 0.00034 and 0.00036; TOPMed 0.00038; ExAC 0.00040.
gnomAD v4.1: 486 of 1,570,646 alleles (0.031%); highest among the groups gnomAD compares: Non-Finnish European, 0.0051%; 2 homozygotes.

Submissions (6):

Labcorp Genetics (formerly Invitae), Labcorp
Classification: Benign. Last evaluated: 2026-01-28. Review status: criteria provided, single submitter. Criteria: Invitae Variant Classification Sherloc (09022015). Collection method: clinical testing. Allele origin: germline.

CeGaT Center for Human Genetics Tuebingen
Classification: Likely benign. Last evaluated: 2024-09-01. Review status: criteria provided, single submitter. Criteria: CeGaT Center For Human Genetics Tuebingen Variant Classification Criteria Version 2. Collection method: clinical testing. Allele origin: germline. Affected: yes. Observed: 1 variant allele.
Comment: PDHX: BS1

Ambry Genetics
Classification: Benign for Inborn genetic diseases. Last evaluated: 2022-01-14. Review status: criteria provided, single submitter. Criteria: Ambry Variant Classification Scheme 2023. Collection method: clinical testing. Allele origin: germline.

Department of Pathology and Laboratory Medicine, Sinai Health System
Classification: Uncertain significance for Pyruvate dehydrogenase E3-binding protein deficiency. Last evaluated: 2021-07-30. Review status: criteria provided, single submitter. Criteria: ACMG Guidelines, 2015. Collection method: research. Allele origin: germline.

GeneDx
Classification: Likely benign. Last evaluated: 2020-11-23. Review status: criteria provided, single submitter. Criteria: GeneDx Variant Classification Process June 2021. Collection method: clinical testing. Allele origin: germline. Affected: yes.

Illumina Laboratory Services, Illumina
Classification: Uncertain significance for Pyruvate dehydrogenase E3-binding protein deficiency. Last evaluated: 2017-04-27. Review status: criteria provided, single submitter. Criteria: ICSL Variant Classification Criteria 13 December 2019. Collection method: clinical testing. Allele origin: germline.

NM_003477.3(PDHX):c.640G>C (p.Glu214Gln)

Gene: PDHX (pyruvate dehydrogenase complex component X; plus strand). Cytogenetic location: 11p13.
Variant type: single nucleotide variant.
Coding change: c.640G>C on transcript NM_003477.3 (MANE Select); coding-DNA position 640, G replaced by C.
Protein change: p.Glu214Gln; replaces glutamic acid 214 with glutamine.
Molecular consequence: missense variant. On other transcripts: intron variant (1).
Genome position (GRCh38, 1-based): chr11:34,960,517, G>C. VCF-style: chr11-34960517-G-C. GRCh37 (hg19) VCF-style: chr11-34982064-G-C.
Other names: p.E214Q:GAG>CAG; c.460G>C, p.Glu154Gln (NM_001135024.2); c.342+12911G>C (NM_001166158.2); short protein forms E214Q, E154Q.
Identifiers: ClinVar variation 214962 (VCV000214962.33), dbSNP rs146445744, ClinGen allele CA323964.